The following is an entry in ClinVar:

ClinVar aggregate classification (germline): Uncertain significance (1 of 4 stars; one submission).

Conditions:
Pelizaeus-Merzbacher disease. Also called: Pelizeaus-Merzbacher spectrum disorder; Sudanophilic leukodystrophy; Pelizaeus-Merzbacher spectrum disorder; Pelizaeus-Merzbacher Disease (PMD); LEUKODYSTROPHY, HYPOMYELINATING, 1. Identifiers: Orphanet 702, MedGen C0205711, MONDO:0010714, OMIM 312080, HP:0003269.

Submission:

3billion
Classification: Uncertain significance for Pelizaeus-Merzbacher disease. Last evaluated: 2023-12-26. Review status: criteria provided, single submitter. Criteria: ACMG Guidelines, 2015. Collection method: clinical testing. Allele origin: germline. Affected: yes.
Comment: The variant is not observed in the gnomAD v2.1.1 dataset. Predicted Consequence/Location: Missense variant In silico tool predictions suggest damaging effect of the variant on gene or gene product [REVEL: 0.71 (>=0.6, sensitivity 0.68 and specificity 0.92); 3Cnet: 0.97 (>=0.6, sensitivity 0.72 and precision 0.9)]. Same nucleotide change resulting in same amino acid change has been previously reported to be associated with PLP1-related disorder (PMID: 30046645). Different missense changes at the same codon (p.Met206Arg, p.Met206Thr) have been reported to be associated with PLP1-related disorder (ClinVar ID: VCV000496683 /PMID: 34782662). Therefore, this variant is classified as VUS according to the recommendation of ACMG/AMP guideline.

Literature cited by the submitters: PubMed 34782662; PubMed 30046645.

NM_000533.5(PLP1):c.617T>A (p.Met206Lys)

Genes: PLP1 (proteolipid protein 1; plus strand), RAB9B (RAB9B, member RAS oncogene family; minus strand). Cytogenetic location: Xq22.2.
Variant type: single nucleotide variant.
Coding change: c.617T>A on transcript NM_000533.5 (MANE Select); coding-DNA position 617, T replaced by A.
Protein change: p.Met206Lys; replaces methionine 206 with lysine.
Molecular consequence: missense variant.
Genome position (GRCh38, 1-based): chrX:103,787,961, T>A. VCF-style: chrX-103787961-T-A. GRCh37 (hg19) VCF-style: chrX-103042890-T-A.
Other names: c.617T>A, p.Met206Lys (NM_001128834.3); c.452T>A, p.Met151Lys (NM_001305004.1); c.512T>A, p.Met171Lys (NM_199478.3); short protein forms M151K, M171K, M206K.
Identifiers: ClinVar variation 3776230 (VCV003776230.1).